The following is an entry in ClinVar:

ClinVar aggregate classification (germline): Benign/Likely benign. Review status: criteria provided, multiple submitters, no conflicts (2 of 4 stars). 7 submissions from 7 submitters: Benign (3); Likely benign (3). 1 of the submissions does not count toward it. Last evaluated 2026-06-01.

Conditions:
SBF1-related disorder. Also called: SBF1-related condition.
Charcot-Marie-Tooth disease type 4B3. Also called: CHARCOT-MARIE-TOOTH DISEASE, DEMYELINATING, TYPE 4B3; Charcot-Marie-Tooth Neuropathy Type 4B3. Identifiers: Orphanet 363981, MedGen C3695063, MONDO:0014117, OMIM 615284.

Allele frequency attached by ClinVar (database versions not stated): 1000 Genomes Project 0.00160; 1000 Genomes Project 30x 0.00187; TOPMed 0.00369; gnomAD exomes 0.00395 and 0.00577; ExAC 0.00406; ESP Exome Variant Server 0.00414; gnomAD 0.00416 and 0.00425.
gnomAD v4.1: 8,963 of 1,612,982 alleles (0.56%); highest among the groups gnomAD compares: Non-Finnish European, 0.64%; 30 homozygotes.

Submissions (7):

CeGaT Center for Human Genetics Tuebingen
Classification: Likely benign. Last evaluated: 2026-06-01. Review status: criteria provided, single submitter. Criteria: CeGaT Center For Human Genetics Tuebingen Variant Classification Criteria Version 2. Collection method: clinical testing. Allele origin: germline. Affected: yes. Observed: 20 variant alleles.
Comment: SBF1: BP4, BP7, BS2

Labcorp Genetics (formerly Invitae), Labcorp
Classification: Benign. Last evaluated: 2026-01-26. Review status: criteria provided, single submitter. Criteria: Invitae Variant Classification Sherloc (09022015). Collection method: clinical testing. Allele origin: germline.

ARUP Laboratories, Molecular Genetics and Genomics, ARUP Laboratories
Classification: Benign for Charcot-Marie-Tooth disease type 4B3. Last evaluated: 2023-10-20. Review status: criteria provided, single submitter. Criteria: ARUP Molecular Germline Variant Investigation Process 2024. Collection method: clinical testing. Allele origin: germline.

Mayo Clinic Laboratories, Mayo Clinic
Classification: Benign. Last evaluated: 2022-09-15. Review status: criteria provided, single submitter. Criteria: ACMG Guidelines, 2015. Collection method: clinical testing. Allele origin: germline. Observed: 28 variant alleles.

GeneDx
Classification: Likely benign. Last evaluated: 2021-04-22. Review status: criteria provided, single submitter. Criteria: GeneDx Variant Classification Process June 2021. Collection method: clinical testing. Allele origin: germline. Affected: yes.

Breakthrough Genomics
Classification: Likely benign. Review status: criteria provided, single submitter. Criteria: ACMG Guidelines, 2015. Collection method: not provided. Allele origin: germline. Inheritance: Autosomal recessive inheritance. Affected: yes.

PreventionGenetics, part of Exact Sciences
Classification: Benign for SBF1-related condition. Last evaluated: 2019-09-20. Review status: no assertion criteria provided. Collection method: clinical testing. Allele origin: germline. Not counted in ClinVar's aggregate classification.
Comment: This variant is classified as benign based on ACMG/AMP sequence variant interpretation guidelines (Richards et al. 2015 PMID: 25741868, with internal and published modifications).

NM_002972.4(SBF1):c.1947T>A (p.Pro649=)

Gene: SBF1 (SET binding factor 1; minus strand). Cytogenetic location: 22q13.33.
Variant type: single nucleotide variant.
Coding change: c.1947T>A on transcript NM_002972.4 (MANE Select); coding-DNA position 1947, T replaced by A.
Protein change: p.Pro649=; no amino-acid change (proline 649 retained).
Molecular consequence: synonymous variant.
Genome position (GRCh38, 1-based): chr22:50,462,891, A>T on the plus strand (T>A on the coding strand, the complement: SBF1 is on the minus strand). VCF-style: chr22-50462891-A-T. GRCh37 (hg19) VCF-style: chr22-50901320-A-T.
Other names: p.Pro649=; c.1950T>A, p.Pro650= (NM_001365819.1).
Identifiers: ClinVar variation 770822 (VCV000770822.58), dbSNP rs180800708, ClinGen allele CA10317444.